The following is an entry in ClinVar:

NM_001080414.4(CCDC88C):c.308A>G (p.Asn103Ser)

Gene: CCDC88C (coiled-coil domain containing 88C; minus strand). Cytogenetic location: 14q32.11.
Variant type: single nucleotide variant.
Coding change: c.308A>G on transcript NM_001080414.4 (MANE Select); coding-DNA position 308, A replaced by G.
Protein change: p.Asn103Ser; replaces asparagine 103 with serine.
Molecular consequence: missense variant.
Genome position (GRCh38, 1-based): chr14:91,359,674, T>C on the plus strand (A>G on the coding strand, the complement: CCDC88C is on the minus strand). VCF-style: chr14-91359674-T-C. GRCh37 (hg19) VCF-style: chr14-91826018-T-C.
Other names: short protein forms N103S.
Identifiers: ClinVar variation 1686736 (VCV001686736.4), dbSNP rs1455378745, ClinGen allele CA390617085.
Genomic context (GRCh38, chr14:91,359,674, plus strand): 5'-AGGGGAGAAGGGAGCGGCTTTCACTCACCAGACAGTGGGTCTCTGCCAATCATCAAAACA[T>C]TGGGCAAATTCATTACAATCAGCTGCTGGAGAACTTCCTGCAGAAACAAAGGGGGAAAAG-3'
Protein context (NP_001073883.2, residues 93-113): LQQLIVMNLP[Asn103Ser]VLMIGRDPLS

ClinVar aggregate classification (germline): Uncertain significance. Review status: criteria provided, multiple submitters, no conflicts (2 of 4 stars). 2 submissions from 2 submitters: Uncertain significance (2). Last evaluated 2022-10-17.

Allele frequency attached by ClinVar (database versions not stated): TOPMed below 0.00001; gnomAD 0.00001; gnomAD exomes 0.00002.
gnomAD v4.1: 26 of 1,610,168 alleles (0.0016%); highest among the groups gnomAD compares: Admixed American, 0.015%; no homozygotes.

Submissions (2):

Labcorp Genetics (formerly Invitae), Labcorp
Classification: Uncertain significance. Last evaluated: 2022-10-17. Review status: criteria provided, single submitter. Criteria: Invitae Variant Classification Sherloc (09022015). Collection method: clinical testing. Allele origin: germline.
Comment: This sequence change replaces asparagine, which is neutral and polar, with serine, which is neutral and polar, at codon 103 of the CCDC88C protein (p.Asn103Ser). The frequency data for this variant in the population databases is considered unreliable, as metrics indicate poor data quality at this position in the gnomAD database. This variant has not been reported in the literature in individuals affected with CCDC88C-related conditions. ClinVar contains an entry for this variant (Variation ID: 1686736). Algorithms developed to predict the effect of missense changes on protein structure and function are either unavailable or do not agree on the potential impact of this missense change (SIFT: "Deleterious"; PolyPhen-2: "Probably Damaging"; Align-GVGD: "Class C0"). In summary, the available evidence is currently insufficient to determine the role of this variant in disease. Therefore, it has been classified as a Variant of Uncertain Significance.

GeneDx
Classification: Uncertain significance. Last evaluated: 2021-11-18. Review status: criteria provided, single submitter. Criteria: GeneDx Variant Classification Process June 2021. Collection method: clinical testing. Allele origin: germline. Affected: yes.
Comment: In silico analysis supports that this missense variant has a deleterious effect on protein structure/function; In-silico analysis is inconclusive as to whether the variant alters gene splicing. In the absence of RNA/functional studies, the actual effect of this sequence change is unknown.; Has not been previously published as pathogenic or benign to our knowledge